The following is an entry in ClinVar:

NM_153827.5(MINK1):c.2025C>T (p.Ile675=)

Gene: MINK1 (misshapen like kinase 1; plus strand). Cytogenetic location: 17p13.2.
Variant type: single nucleotide variant.
Coding change: c.2025C>T on transcript NM_153827.5 (MANE Select); coding-DNA position 2025, C replaced by T.
Protein change: p.Ile675=; no amino-acid change (isoleucine 675 retained).
Molecular consequence: synonymous variant.
Genome position (GRCh38, 1-based): chr17:4,892,172, C>T. VCF-style: chr17-4892172-C-T. GRCh37 (hg19) VCF-style: chr17-4795467-C-T.
Other names: c.1965C>T, p.Ile655= (NM_001024937.4); c.1860C>T, p.Ile620= (NM_001321236.2); c.2025C>T, p.Ile675= (NM_015716.5, NM_170663.5).
Identifiers: ClinVar variation 2647274 (VCV002647274.24), dbSNP rs775990736, ClinGen allele CA8312863.

ClinVar aggregate classification (germline): Likely benign (1 of 4 stars; one submission).

Allele frequency attached by ClinVar (database versions not stated): TOPMed 0.00020; gnomAD 0.00022; ExAC 0.00036.
gnomAD v4.1: 327 of 1,600,794 alleles (0.02%); highest among the groups gnomAD compares: Non-Finnish European, 0.024%; 1 homozygote.

Submission:

CeGaT Center for Human Genetics Tuebingen
Classification: Likely benign. Last evaluated: 2022-07-01. Review status: criteria provided, single submitter. Criteria: CeGaT Center For Human Genetics Tuebingen Variant Classification Criteria Version 2. Collection method: clinical testing. Allele origin: germline. Affected: yes. Observed: 1 variant allele.
Comment: MINK1: BP4, BP7